The following is an entry in ClinVar:

NM_032119.4(ADGRV1):c.6813G>T (p.Gln2271His)

Gene: ADGRV1 (adhesion G protein-coupled receptor V1; plus strand). Cytogenetic location: 5q14.3.
Variant type: single nucleotide variant.
Coding change: c.6813G>T on transcript NM_032119.4 (MANE Select); coding-DNA position 6813, G replaced by T.
Protein change: p.Gln2271His; replaces glutamine 2271 with histidine.
Molecular consequence: missense variant. On other transcripts: non-coding transcript variant (1).
Genome position (GRCh38, 1-based): chr5:90,690,903, G>T. VCF-style: chr5-90690903-G-T. GRCh37 (hg19) VCF-style: chr5-89986720-G-T.
Other names: short protein forms Q2271H.
Identifiers: ClinVar variation 2123621 (VCV002123621.4), dbSNP rs753025213, ClinGen allele CA3339882.

ClinVar aggregate classification (germline): Uncertain significance (1 of 4 stars; one submission).

Allele frequency attached by ClinVar (database versions not stated): gnomAD exomes below 0.00001; ExAC 0.00001.
gnomAD v4.1: 2 of 1,613,764 alleles (0.00012%); highest among the groups gnomAD compares: Admixed American, 0.0033%; no homozygotes.

Submission:

Labcorp Genetics (formerly Invitae), Labcorp
Classification: Uncertain significance. Last evaluated: 2023-08-24. Review status: criteria provided, single submitter. Criteria: Invitae Variant Classification Sherloc (09022015). Collection method: clinical testing. Allele origin: germline.
Comment: This sequence change replaces glutamine, which is neutral and polar, with histidine, which is basic and polar, at codon 2271 of the ADGRV1 protein (p.Gln2271His). This variant is present in population databases (rs753025213, gnomAD 0.003%). This variant has not been reported in the literature in individuals affected with ADGRV1-related conditions. ClinVar contains an entry for this variant (Variation ID: 2123621). Advanced modeling of protein sequence and biophysical properties (such as structural, functional, and spatial information, amino acid conservation, physicochemical variation, residue mobility, and thermodynamic stability) performed at Invitae indicates that this missense variant is not expected to disrupt ADGRV1 protein function. In summary, the available evidence is currently insufficient to determine the role of this variant in disease. Therefore, it has been classified as a Variant of Uncertain Significance.